The following is an entry in ClinVar:

ClinVar aggregate classification (germline): Uncertain significance. Review status: criteria provided, single submitter (1 of 4 stars). 2 submissions from 2 submitters: Uncertain significance (1). 1 of the submissions does not count toward it. Last evaluated 2022-03-31.

Conditions:
Autosomal recessive nonsyndromic hearing loss 77. Identifiers: Orphanet 90636, MedGen C2746083, MONDO:0013119, OMIM 613079.

Allele frequency attached by ClinVar (database versions not stated): gnomAD exomes below 0.00001.
gnomAD v4.1: 2 of 1,551,852 alleles (0.00013%); highest among the groups gnomAD compares: East Asian, 0.0049%; no homozygotes.

Submissions (2):

GeneDx
Classification: Uncertain significance. Last evaluated: 2022-03-31. Review status: criteria provided, single submitter. Criteria: GeneDx Variant Classification Process June 2021. Collection method: clinical testing. Allele origin: germline. Affected: yes.
Comment: Not observed at significant frequency in large population cohorts (gnomAD); In silico analysis supports that this missense variant does not alter protein structure/function; Has not been previously published as pathogenic or benign to our knowledge

Natera, Inc.
Classification: Uncertain significance for Autosomal recessive deafness type 77. Last evaluated: 2020-09-04. Review status: no assertion criteria provided. Collection method: clinical testing. Allele origin: germline. Not counted in ClinVar's aggregate classification.

NM_001384474.1(LOXHD1):c.6481A>G (p.Thr2161Ala)

Gene: LOXHD1 (lipoxygenase homology PLAT domains 1; minus strand). Cytogenetic location: 18q21.1.
Variant type: single nucleotide variant.
Coding change: c.6481A>G on transcript NM_001384474.1 (MANE Select); coding-DNA position 6481, A replaced by G.
Protein change: p.Thr2161Ala; replaces threonine 2161 with alanine.
Molecular consequence: missense variant.
Genome position (GRCh38, 1-based): chr18:46,477,813, T>C on the plus strand (A>G on the coding strand, the complement: LOXHD1 is on the minus strand). VCF-style: chr18-46477813-T-C. GRCh37 (hg19) VCF-style: chr18-44057776-T-C.
Other names: c.6295A>G (NM_144612.6); c.3148A>G, p.Thr1050Ala (NM_001145472.3); c.1198A>G, p.Thr400Ala (NM_001145473.3, NM_001173129.2); c.2860A>G, p.Thr954Ala (NM_001308013.2); c.6295A>G, p.Thr2099Ala (NM_144612.7); short protein forms T1050A, T2099A, T2161A, T400A, T954A.
Identifiers: ClinVar variation 992164 (VCV000992164.3), dbSNP rs2032151816, ClinGen allele CA402362831.